The following is an entry in ClinVar:

ClinVar aggregate classification (germline): Uncertain significance (1 of 4 stars; one submission).

Conditions:
Malignant hyperthermia, susceptibility to, 1 (MHS1). Also called: Anesthesia related hyperthermia; Malignant hyperpyrexia; Fulminating hyperpyrexia; Pharmacogenic myopathy; RYR1-Related Malignant Hyperthermia Susceptibility; Malignant hyperthermia suceptibility 1. Identifiers: Orphanet 423, MedGen C2930980, MONDO:0007783, OMIM 145600.

Submission:

All of Us Research Program, National Institutes of Health
Classification: Uncertain significance for Malignant hyperthermia, susceptibility to, 1. Last evaluated: 2024-03-05. Review status: criteria provided, single submitter. Criteria: ACMG Guidelines, 2015. Collection method: clinical testing. Allele origin: germline. Inheritance: Autosomal dominant inheritance. Observed: 1 variant allele, 1 heterozygote.
Comment: This study involves interpretation of variants in research participants for the purpose of population health screening. Participant phenotype was not available at the time of variant classification. Additional details can be found in publication PMID: 35346344, PMCID: PMC8962531

NM_000540.3(RYR1):c.293G>A (p.Arg98Lys)

Gene: RYR1 (ryanodine receptor 1; plus strand). Cytogenetic location: 19q13.2.
Variant type: single nucleotide variant.
Coding change: c.293G>A on transcript NM_000540.3 (MANE Select); coding-DNA position 293, G replaced by A.
Protein change: p.Arg98Lys; replaces arginine 98 with lysine.
Molecular consequence: missense variant.
Genome position (GRCh38, 1-based): chr19:38,443,580, G>A. VCF-style: chr19-38443580-G-A. GRCh37 (hg19) VCF-style: chr19-38934220-G-A.
Other names: c.293G>A, p.Arg98Lys (NM_001042723.2); short protein forms R98K.
Identifiers: ClinVar variation 3387621 (VCV003387621.1).